The following is an entry in ClinVar:

ClinVar aggregate classification (germline): Uncertain significance. Review status: criteria provided, multiple submitters, no conflicts (2 of 4 stars). 3 submissions from 3 submitters: Uncertain significance (3). Last evaluated 2026-08-18.

Conditions:
Hereditary nonpolyposis colorectal neoplasms. Identifiers: MedGen C0009405, MeSH D003123.
Lynch syndrome. Identifiers: Orphanet 144, MedGen C4552100, MONDO:0005835. Disease mechanism: loss of function.
Hereditary cancer-predisposing syndrome. Also called: Tumor predisposition; Hereditary neoplastic syndrome; Neoplastic Syndromes, Hereditary; Hereditary Cancer Syndrome. Identifiers: Orphanet 140162, MedGen C0027672, MeSH D009386, MONDO:0015356.

gnomAD v4.1: 1 of 1,600,172 alleles (0.000062%); no homozygotes.

Submissions (3):

Ambry Genetics
Classification: Uncertain significance for Hereditary cancer-predisposing syndrome. Last evaluated: 2026-08-18. Review status: criteria provided, single submitter. Criteria: Ambry Variant Classification Scheme 2023. Collection method: clinical testing. Allele origin: germline.
Comment: The p.D333V variant (also known as c.998A>T), located in coding exon 10 of the PMS2 gene, results from an A to T substitution at nucleotide position 998. The aspartic acid at codon 333 is replaced by valine, an amino acid with highly dissimilar properties. This amino acid position is highly conserved in available vertebrate species. In addition, this alteration is predicted to be deleterious by in silico analysis. Based on the available evidence, the clinical significance of this variant remains unclear.

Labcorp Genetics (formerly Invitae), Labcorp
Classification: Uncertain significance for Hereditary nonpolyposis colorectal neoplasms. Last evaluated: 2025-02-27. Review status: criteria provided, single submitter. Criteria: Invitae Variant Classification Sherloc (09022015). Collection method: clinical testing. Allele origin: germline.
Comment: This sequence change replaces aspartic acid, which is acidic and polar, with valine, which is neutral and non-polar, at codon 333 of the PMS2 protein (p.Asp333Val). This variant is not present in population databases (gnomAD no frequency). This variant has not been reported in the literature in individuals affected with PMS2-related conditions. ClinVar contains an entry for this variant (Variation ID: 823590). Invitae Evidence Modeling incorporating data from in vitro experimental studies (internal data) indicates that this missense variant is not expected to disrupt PMS2 function with a negative predictive value of 95%. In summary, the available evidence is currently insufficient to determine the role of this variant in disease. Therefore, it has been classified as a Variant of Uncertain Significance.

All of Us Research Program, National Institutes of Health
Classification: Uncertain significance for Lynch syndrome. Last evaluated: 2024-01-03. Review status: criteria provided, single submitter. Criteria: ACMG Guidelines, 2015. Collection method: clinical testing. Allele origin: germline. Inheritance: Autosomal dominant inheritance. Observed: 1 variant allele, 1 heterozygote.
Comment: This missense variant replaces aspartic acid with valine at codon 333 of the PMS2 protein. Computational prediction suggests that this variant may have deleterious impact on protein structure and function (internally defined REVEL score threshold >= 0.7, PMID: 27666373). To our knowledge, functional studies have not been reported for this variant. This variant has not been reported in individuals affected with PMS2-related disorders in the literature. This variant has not been identified in the general population by the Genome Aggregation Database (gnomAD). The available evidence is insufficient to determine the role of this variant in disease conclusively. Therefore, this variant is classified as a Variant of Uncertain Significance.

This study involves interpretation of variants in research participants for the purpose of population health screening. Participant phenotype was not available at the time of variant classification. Additional details can be found in publication PMID: 35346344, PMCID: PMC8962531

NM_000535.7(PMS2):c.998A>T (p.Asp333Val)

Gene: PMS2 (PMS1 homolog 2, mismatch repair system component; minus strand). Cytogenetic location: 7p22.1.
Variant type: single nucleotide variant.
Coding change: c.998A>T on transcript NM_000535.7 (MANE Select); coding-DNA position 998, A replaced by T.
Protein change: p.Asp333Val; replaces aspartic acid 333 with valine.
Molecular consequence: missense variant. On other transcripts: non-coding transcript variant (1), intron variant (2).
Genome position (GRCh38, 1-based): chr7:5,989,946, T>A on the plus strand (A>T on the coding strand, the complement: PMS2 is on the minus strand). VCF-style: chr7-5989946-T-A. GRCh37 (hg19) VCF-style: chr7-6029577-T-A.
Other names: c.593A>T, p.Asp198Val (NM_001322003.2, NM_001322004.2, NM_001322005.2 and 1 more transcripts); c.680A>T, p.Asp227Val (NM_001322007.2, NM_001322008.2); c.65A>T, p.Asp22Val (NM_001322011.2, NM_001322012.2); c.425A>T, p.Asp142Val (NM_001322013.2); c.998A>T, p.Asp333Val (NM_001322014.2); c.689A>T, p.Asp230Val (NM_001322015.2); c.583+2027A>T (NM_001322010.2); c.988+2027A>T (NM_001322006.2); short protein forms D142V, D198V, D333V, D227V, D22V, D230V.
Identifiers: ClinVar variation 823590 (VCV000823590.8), dbSNP rs1187390273, ClinGen allele CA366743021.